The following is an entry in ClinVar:

ClinVar aggregate classification (germline): Pathogenic (1 of 4 stars; one submission).

Conditions:
Hereditary cancer-predisposing syndrome. Also called: Tumor predisposition; Neoplastic Syndromes, Hereditary; Hereditary Cancer Syndrome; Hereditary neoplastic syndrome. Identifiers: Orphanet 140162, MedGen C0027672, MeSH D009386, MONDO:0015356.

Submission:

Ambry Genetics
Classification: Pathogenic for Hereditary cancer-predisposing syndrome. Last evaluated: 2025-01-10. Review status: criteria provided, single submitter. Criteria: Ambry Variant Classification Scheme 2023. Collection method: clinical testing. Allele origin: germline.
Comment: The c.1119dupG pathogenic mutation, located in coding exon 4 of the PALB2 gene, results from a duplication of G at nucleotide position 1119, causing a translational frameshift with a predicted alternate stop codon (p.I374Dfs*6). This variant is considered to be rare based on population cohorts in the Genome Aggregation Database (gnomAD). This alteration is expected to result in loss of function by premature protein truncation or nonsense-mediated mRNA decay. As such, this alteration is interpreted as a disease-causing mutation.

NM_024675.4(PALB2):c.1119dup (p.Ile374fs)

Gene: PALB2 (partner and localizer of BRCA2; minus strand). Cytogenetic location: 16p12.2.
Variant type: Duplication.
Coding change: c.1119dup on transcript NM_024675.4 (MANE Select); coding-DNA position 1119, one base duplicated (G; older notation c.1119dupG).
Protein change: p.Ile374fs; shifts the reading frame from isoleucine 374.
Molecular consequence: frameshift variant. On other transcripts: intron variant (3).
Genome position (GRCh38, 1-based): chr16:23,635,427, C duplicated on the plus strand (G on the coding strand, the reverse complement: PALB2 is on the minus strand). VCF-style (leftmost placement, unchanged base first): chr16-23635426-T-TC. GRCh37 (hg19) VCF-style: chr16-23646747-T-TC.
Other names: c.1059dup, p.Ile354fs (NM_001407296.1); c.1119dup, p.Ile374fs (NM_001407297.1, NM_001407298.1, NM_001407299.1 and 3 more transcripts); c.234dup, p.Ile79fs (NM_001407304.1, NM_001407305.1, NM_001407306.1 and 5 more transcripts); c.48+5683dup (NM_001407314.1); c.-104-4958dup (NM_001407313.1, NM_001407312.1); c.1119dupG (NM_024675.3); short protein forms I354fs, I374fs, I79fs.
Identifiers: ClinVar variation 3885194 (VCV003885194.1).